The following is an entry in ClinVar:

ClinVar aggregate classification (germline): Pathogenic (1 of 4 stars; one submission).

Conditions:
Hereditary cancer-predisposing syndrome. Also called: Hereditary Cancer Syndrome; Hereditary neoplastic syndrome; Tumor predisposition; Neoplastic Syndromes, Hereditary. Identifiers: Orphanet 140162, MedGen C0027672, MeSH D009386, MONDO:0015356.
Cardiovascular phenotype. Identifiers: MedGen CN230736.

Submission:

Ambry Genetics
Classification: Pathogenic for Cardiovascular phenotype; Hereditary cancer-predisposing syndrome. Last evaluated: 2024-11-07. Review status: criteria provided, single submitter. Criteria: Ambry Variant Classification Scheme 2023. Collection method: clinical testing. Allele origin: germline.
Comment: The c.1858dupC pathogenic mutation, located in coding exon 16 of the LZTR1 gene, results from a duplication of C at nucleotide position 1858, causing a translational frameshift with a predicted alternate stop codon (p.L620Pfs*49). This variant is considered to be rare based on population cohorts in the Genome Aggregation Database (gnomAD). This alteration is expected to result in loss of function by premature protein truncation or nonsense-mediated mRNA decay. Loss-of-function variants in LZTR1 are related to an increased risk for schwannomas and autosomal recessive Noonan syndrome; however, such associations with autosomal dominant Noonan syndrome have not been observed (Piotrowski A et al. Nat Genet. 2014 Feb;46:182-7; Yamamoto GL et al. J Med Genet. 2015 Jun;52:413-21; Johnston JJ et al. Genet Med. 2018 10;20:1175-1185). Based on the supporting evidence, this variant is pathogenic for an increased risk of LZTR1-related schwannomatosis (SWN) and would be expected to cause autosomal recessive Noonan syndrome when present along with a second pathogenic or likely pathogenic variant on the other allele; however, the association of this alteration with autosomal dominant Noonan syndrome is unlikely.

NM_006767.4(LZTR1):c.1858dup (p.Leu620fs)

Gene: LZTR1 (leucine zipper like post translational regulator 1; plus strand). Cytogenetic location: 22q11.21.
Variant type: Duplication.
Coding change: c.1858dup on transcript NM_006767.4 (MANE Select); coding-DNA position 1858, one base duplicated (C; older notation c.1858dupC).
Protein change: p.Leu620fs; shifts the reading frame from leucine 620.
Molecular consequence: frameshift variant.
Genome position (GRCh38, 1-based): chr22:20,994,942, C duplicated; the last of 2 consecutive C bases (chr22:20,994,941-20,994,942); duplicating either gives the same sequence. VCF-style (leftmost placement, unchanged base first): chr22-20994940-G-GC. GRCh37 (hg19) VCF-style: chr22-21349229-G-GC.
Other names: short protein forms L620fs.
Identifiers: ClinVar variation 3541671 (VCV003541671.1).